The following is an entry in ClinVar:

NM_001286.5(CLCN6):c.1495T>C (p.Phe499Leu)

Gene: CLCN6 (Cl-/H+ antiporter 6; plus strand). Cytogenetic location: 1p36.22.
Variant type: single nucleotide variant.
Coding change: c.1495T>C on transcript NM_001286.5 (MANE Select); coding-DNA position 1495, T replaced by C.
Protein change: p.Phe499Leu; replaces phenylalanine 499 with leucine.
Molecular consequence: missense variant. On other transcripts: non-coding transcript variant (1).
Genome position (GRCh38, 1-based): chr1:11,833,999, T>C. VCF-style: chr1-11833999-T-C. GRCh37 (hg19) VCF-style: chr1-11894056-T-C.
Other names: c.1429T>C, p.Phe477Leu (NM_001256959.2); short protein forms F477L, F499L.
Identifiers: ClinVar variation 1577005 (VCV001577005.32), dbSNP rs148630210, ClinGen allele CA596486.

ClinVar aggregate classification (germline): Benign/Likely benign. Review status: criteria provided, multiple submitters, no conflicts (2 of 4 stars). 2 submissions from 2 submitters: Benign (1); Likely benign (1). Last evaluated 2026-02-02.

Allele frequency attached by ClinVar (database versions not stated): 1000 Genomes Project 30x 0.00016; 1000 Genomes Project 0.00020; ExAC 0.00046; gnomAD exomes 0.00059; gnomAD 0.00081; TOPMed 0.00083; ESP Exome Variant Server 0.00123.
gnomAD v4.1: 2,211 of 1,614,154 alleles (0.14%); highest among the groups gnomAD compares: Non-Finnish European, 0.17%; 3 homozygotes.

Submissions (2):

Labcorp Genetics (formerly Invitae), Labcorp
Classification: Likely benign. Last evaluated: 2026-02-02. Review status: criteria provided, single submitter. Criteria: Invitae Variant Classification Sherloc (09022015). Collection method: clinical testing. Allele origin: germline.

CeGaT Center for Human Genetics Tuebingen
Classification: Benign. Last evaluated: 2022-09-01. Review status: criteria provided, single submitter. Criteria: CeGaT Center For Human Genetics Tuebingen Variant Classification Criteria Version 2. Collection method: clinical testing. Allele origin: germline. Affected: yes. Observed: 1 variant allele.
Comment: CLCN6: BS1, BS2